The following is an entry in ClinVar:

ClinVar aggregate classification (germline): Uncertain significance. Review status: criteria provided, multiple submitters, no conflicts (2 of 4 stars). 3 submissions from 3 submitters: Uncertain significance (2). 1 of the submissions does not count toward it. Last evaluated 2022-08-20.

Conditions:
Usher syndrome type 2A. Also called: RETINAL DISEASE IN USHER SYNDROME TYPE IIA, MODIFIER OF; USHER SYNDROME, TYPE IIA. Identifiers: Orphanet 231178, Orphanet 886, MedGen C1848634, MONDO:0010169, OMIM 276901.

Allele frequency attached by ClinVar (database versions not stated): gnomAD exomes below 0.00001; gnomAD 0.00001.
gnomAD v4.1: 5 of 1,614,080 alleles (0.00031%); highest among the groups gnomAD compares: Non-Finnish European, 0.00034%; no homozygotes.

Submissions (3):

Labcorp Genetics (formerly Invitae), Labcorp
Classification: Uncertain significance. Last evaluated: 2022-08-20. Review status: criteria provided, single submitter. Criteria: Invitae Variant Classification Sherloc (09022015). Collection method: clinical testing. Allele origin: germline.
Comment: This sequence change replaces leucine, which is neutral and non-polar, with proline, which is neutral and non-polar, at codon 2701 of the USH2A protein (p.Leu2701Pro). This variant is present in population databases (no rsID available, gnomAD 0.0008%). This variant has not been reported in the literature in individuals affected with USH2A-related conditions. ClinVar contains an entry for this variant (Variation ID: 854340). Algorithms developed to predict the effect of missense changes on protein structure and function (SIFT, PolyPhen-2, Align-GVGD) all suggest that this variant is likely to be disruptive. In summary, the available evidence is currently insufficient to determine the role of this variant in disease. Therefore, it has been classified as a Variant of Uncertain Significance.

Blueprint Genetics
Classification: Uncertain significance. Last evaluated: 2020-12-21. Review status: criteria provided, single submitter. Criteria: ACMG Guidelines, 2015. Collection method: clinical testing. Allele origin: germline.

Natera, Inc.
Classification: Uncertain significance for Usher syndrome type 2A. Last evaluated: 2020-10-30. Review status: no assertion criteria provided. Collection method: clinical testing. Allele origin: germline. Not counted in ClinVar's aggregate classification.

NM_206933.4(USH2A):c.8102T>C (p.Leu2701Pro)

Gene: USH2A (usherin; minus strand). Cytogenetic location: 1q41.
Variant type: single nucleotide variant.
Coding change: c.8102T>C on transcript NM_206933.4 (MANE Select); coding-DNA position 8102, T replaced by C.
Protein change: p.Leu2701Pro; replaces leucine 2701 with proline.
Molecular consequence: missense variant.
Genome position (GRCh38, 1-based): chr1:215,888,547, A>G on the plus strand (T>C on the coding strand, the complement: USH2A is on the minus strand). VCF-style: chr1-215888547-A-G. GRCh37 (hg19) VCF-style: chr1-216061889-A-G.
Other names: short protein forms L2701P.
Identifiers: ClinVar variation 854340 (VCV000854340.8), dbSNP rs982853731, ClinGen allele CA37442249.